The following is an entry in ClinVar:

ClinVar aggregate classification (germline): Conflicting classifications of pathogenicity. Review status: criteria provided, conflicting classifications (1 of 4 stars). 3 submissions from 3 submitters: Pathogenic (1); Likely pathogenic (1); Uncertain significance (1). Last evaluated 2025-03-17.

Conditions:
Retinal dystrophy. Also called: Inherited retinal dystrophy. Identifiers: Orphanet 71862, MedGen C0854723, MeSH D058499, MONDO:0019118, HP:0000556.
RBP3-related disorder. Also called: RBP3-related condition.

Allele frequency attached by ClinVar (database versions not stated): gnomAD exomes below 0.00001 and 0.00001; TOPMed below 0.00001.

Submissions (3):

Labcorp Genetics (formerly Invitae), Labcorp
Classification: Pathogenic. Last evaluated: 2025-03-17. Review status: criteria provided, single submitter. Criteria: Invitae Variant Classification Sherloc (09022015). Collection method: clinical testing. Allele origin: germline.
Comment: This sequence change creates a premature translational stop signal (p.Trp211*) in the RBP3 gene. It is expected to result in an absent or disrupted protein product. Loss-of-function variants in RBP3 are known to be pathogenic (PMID: 9614228, 23105016, 25766589). The frequency data for this variant in the population databases is considered unreliable, as metrics indicate poor data quality at this position in the gnomAD database. This premature translational stop signal has been observed in individual(s) with RBP3-related conditions (PMID: 37806543). ClinVar contains an entry for this variant (Variation ID: 838965). For these reasons, this variant has been classified as Pathogenic.

Dept Of Ophthalmology, Nagoya University
Classification: Uncertain significance for Retinal dystrophy. Last evaluated: 2023-10-01. Review status: criteria provided, single submitter. Criteria: Submitter's publication. Collection method: research. Allele origin: germline. Affected: yes.

Blueprint Genetics
Classification: Likely pathogenic for RBP3-related disorders. Last evaluated: 2022-04-22. Review status: criteria provided, single submitter. Criteria: ACMG Guidelines, 2015. Collection method: clinical testing. Allele origin: germline. Affected: yes. Observed: 1 variant allele.

Literature cited by the submitters: PubMed 9614228 (cited by Labcorp Genetics (formerly Invitae), Labcorp); PubMed 23105016 (cited by Labcorp Genetics (formerly Invitae), Labcorp); PubMed 25766589 (cited by Labcorp Genetics (formerly Invitae), Labcorp); PubMed 37806543 (cited by Labcorp Genetics (formerly Invitae), Labcorp).

NM_002900.3(RBP3):c.632G>A (p.Trp211Ter)

Gene: RBP3 (retinol binding protein 3; plus strand). Cytogenetic location: 10q11.22.
Variant type: single nucleotide variant.
Coding change: c.632G>A on transcript NM_002900.3 (MANE Select); coding-DNA position 632, G replaced by A.
Protein change: p.Trp211Ter; replaces tryptophan 211 with a stop codon.
Molecular consequence: nonsense.
Genome position (GRCh38, 1-based): chr10:47,349,116, G>A. VCF-style: chr10-47349116-G-A. GRCh37 (hg19) VCF-style: chr10-48390246-C-T.
Other names: short protein forms W211*.
Identifiers: ClinVar variation 838965 (VCV000838965.11), dbSNP rs1480910058, ClinGen allele CA376665766.